The following is an entry in ClinVar:

ClinVar aggregate classification (germline): Pathogenic/Likely pathogenic. Review status: criteria provided, multiple submitters, no conflicts (2 of 4 stars). 3 submissions from 3 submitters: Pathogenic (2); Likely pathogenic (1). Last evaluated 2023-10-22.

Conditions:
FUCA1-related disorder. Also called: FUCA1-related condition.
Fucosidosis. Also called: ALPHA-L-FUCOSIDASE DEFICIENCY. Identifiers: Orphanet 349, MedGen C0016788, MONDO:0009254, OMIM 230000.

Submissions (3):

Labcorp Genetics (formerly Invitae), Labcorp
Classification: Pathogenic for Fucosidosis. Last evaluated: 2023-10-22. Review status: criteria provided, single submitter. Criteria: Invitae Variant Classification Sherloc (09022015). Collection method: clinical testing. Allele origin: germline.
Comment: This sequence change creates a premature translational stop signal (p.Trp361*) in the FUCA1 gene. It is expected to result in an absent or disrupted protein product. Loss-of-function variants in FUCA1 are known to be pathogenic (PMID: 10094192). This variant is not present in population databases (gnomAD no frequency). This variant has not been reported in the literature in individuals affected with FUCA1-related conditions. ClinVar contains an entry for this variant (Variation ID: 218428). For these reasons, this variant has been classified as Pathogenic.

PreventionGenetics, part of Exact Sciences
Classification: Likely pathogenic for FUCA1-related condition. Last evaluated: 2023-06-10. Review status: criteria provided, single submitter. Criteria: ACMG Guidelines, 2015. Collection method: clinical testing. Allele origin: germline.
Comment: The FUCA1 c.1082G>A variant is predicted to result in premature protein termination (p.Trp361*). To our knowledge, this variant has not been reported in the literature or in a large population database, indicating this variant is rare. Nonsense variants in FUCA1 are expected to be pathogenic. This variant is interpreted as likely pathogenic.

Genomic Diagnostic Laboratory, Division of Genomic Diagnostics, Children's Hospital of Philadelphia
Classification: Pathogenic. Last evaluated: 2015-04-14. Review status: criteria provided, single submitter. Criteria: DGD Variant Analysis Guidelines. Collection method: clinical testing. Allele origin: unknown.

Literature cited by the submitters: PubMed 10094192 (cited by Labcorp Genetics (formerly Invitae), Labcorp).

NM_000147.5(FUCA1):c.1082G>A (p.Trp361Ter)

Gene: FUCA1 (alpha-L-fucosidase 1; minus strand). Cytogenetic location: 1p36.11.
Variant type: single nucleotide variant.
Coding change: c.1082G>A on transcript NM_000147.5 (MANE Select); coding-DNA position 1082, G replaced by A.
Protein change: p.Trp361Ter; replaces tryptophan 361 with a stop codon.
Molecular consequence: nonsense.
Genome position (GRCh38, 1-based): chr1:23,848,727, C>T on the plus strand (G>A on the coding strand, the complement: FUCA1 is on the minus strand). VCF-style: chr1-23848727-C-T. GRCh37 (hg19) VCF-style: chr1-24175217-C-T.
Other names: short protein forms W361*.
Identifiers: ClinVar variation 218428 (VCV000218428.5), dbSNP rs864309551, ClinGen allele CA249304.
Genomic context (GRCh38, chr1:23,848,727, plus strand): 5'-TTTTCCCATTGCACCCGCCATGGTTTGGAGGCATAGATAGCCTCCCCATTGATGCTCAGC[C>T]ATTTCCCAACAGCAAGAAGCCTTTCTTGGAAGATGGGAACAATCAGTCCATCTTTAGTTG-3'